The following is an entry in ClinVar:

ClinVar aggregate classification (germline): Conflicting classifications of pathogenicity. Review status: criteria provided, conflicting classifications (1 of 4 stars). 4 submissions from 4 submitters: Uncertain significance (2); Likely benign (2). Last evaluated 2026-01-30.

Conditions:
MPDZ-related disorder. Also called: MPDZ-related condition.
Inborn genetic diseases. Identifiers: MedGen C0950123, MeSH D030342.

Allele frequency attached by ClinVar (database versions not stated): TOPMed 0.00040; ESP Exome Variant Server 0.00041; gnomAD 0.00043 and 0.00044; gnomAD exomes 0.00053; ExAC 0.00066.
gnomAD v4.1: 1,173 of 1,612,418 alleles (0.073%); highest among the groups gnomAD compares: Non-Finnish European, 0.095%; 1 homozygote.

Submissions (4):

Labcorp Genetics (formerly Invitae), Labcorp
Classification: Likely benign. Last evaluated: 2026-01-30. Review status: criteria provided, single submitter. Criteria: Invitae Variant Classification Sherloc (09022015). Collection method: clinical testing. Allele origin: germline.

GeneDx
Classification: Uncertain significance. Last evaluated: 2025-12-11. Review status: criteria provided, single submitter. Criteria: GeneDx Variant Classification Process June 2021. Collection method: clinical testing. Allele origin: germline. Affected: yes.
Comment: Reported in a patient with keratoconus (PMID: 29924831); In silico analysis suggests that this missense variant does not alter protein structure/function; This variant is associated with the following publications: (PMID: 29924831)

PreventionGenetics, part of Exact Sciences
Classification: Likely benign for MPDZ-related condition. Last evaluated: 2025-01-22. Review status: criteria provided, single submitter. Criteria: ACMG Guidelines, 2015. Collection method: clinical testing. Allele origin: germline.
Comment: This variant is classified as likely benign based on ACMG/AMP sequence variant interpretation guidelines (Richards et al. 2015 PMID: 25741868, with internal and published modifications).

Ambry Genetics
Classification: Uncertain significance for Inborn genetic diseases. Last evaluated: 2023-09-27. Review status: criteria provided, single submitter. Criteria: Ambry Variant Classification Scheme 2023. Collection method: clinical testing. Allele origin: germline.

NM_001378778.1(MPDZ):c.2537C>G (p.Ser846Cys)

Gene: MPDZ (multiple PDZ domain crumbs cell polarity complex component; minus strand). Cytogenetic location: 9p23.
Variant type: single nucleotide variant.
Coding change: c.2537C>G on transcript NM_001378778.1 (MANE Select); coding-DNA position 2537, C replaced by G.
Protein change: p.Ser846Cys; replaces serine 846 with cysteine.
Molecular consequence: missense variant.
Genome position (GRCh38, 1-based): chr9:13,183,530, G>C on the plus strand (C>G on the coding strand, the complement: MPDZ is on the minus strand). VCF-style: chr9-13183530-G-C. GRCh37 (hg19) VCF-style: chr9-13183529-G-C.
Other names: c.2537C>G, p.Ser846Cys (NM_001261406.2, NM_001261407.2, NM_001330637.2 and 14 more transcripts); c.2537C>G (NM_003829.3); short protein forms S846C.
Identifiers: ClinVar variation 721057 (VCV000721057.15), dbSNP rs200553028, ClinGen allele CA4987421.